The following is an entry in ClinVar:

ClinVar aggregate classification (germline): Uncertain significance (1 of 4 stars; one submission).

Submission:

GeneDx
Classification: Uncertain significance. Last evaluated: 2023-01-18. Review status: criteria provided, single submitter. Criteria: GeneDx Variant Classification Process June 2021. Collection method: clinical testing. Allele origin: germline. Affected: yes.
Comment: Not observed at significant frequency in large population cohorts (gnomAD); In silico analysis supports that this missense variant does not alter protein structure/function; Has not been previously published as pathogenic or benign to our knowledge

NM_013275.6(ANKRD11):c.2985G>T (p.Lys995Asn)

Gene: ANKRD11 (ankyrin repeat domain containing 11; minus strand). Cytogenetic location: 16q24.3.
Variant type: single nucleotide variant.
Coding change: c.2985G>T on transcript NM_013275.6 (MANE Select); coding-DNA position 2985, G replaced by T.
Protein change: p.Lys995Asn; replaces lysine 995 with asparagine.
Molecular consequence: missense variant.
Genome position (GRCh38, 1-based): chr16:89,283,557, C>A on the plus strand (G>T on the coding strand, the complement: ANKRD11 is on the minus strand). VCF-style: chr16-89283557-C-A. GRCh37 (hg19) VCF-style: chr16-89349965-C-A.
Other names: c.2985G>T, p.Lys995Asn (NM_001256182.2, NM_001256183.2); short protein forms K995N.
Identifiers: ClinVar variation 2573948 (VCV002573948.1), dbSNP rs2151757174, ClinGen allele CA397160852.